The following is an entry in ClinVar:

ClinVar aggregate classification (germline): Likely benign. Review status: criteria provided, multiple submitters, no conflicts (2 of 4 stars). 3 submissions from 3 submitters: Likely benign (3). Last evaluated 2025-10-08.

Conditions:
Developmental and epileptic encephalopathy, 32 (DEE32). Also called: Epileptic encephalopathy, early infantile, 32. Identifiers: Orphanet 442835, MedGen C4225350, MONDO:0014607, OMIM 616366.

Allele frequency attached by ClinVar (database versions not stated): ExAC 0.00006; TOPMed 0.00003; gnomAD 0.00006 and 0.00007; gnomAD exomes 0.00012 and 0.00004; ESP Exome Variant Server 0.00008.
gnomAD v4.1: 185 of 1,614,216 alleles (0.011%); highest among the groups gnomAD compares: Non-Finnish European, 0.015%; no homozygotes.

Submissions (3):

Mayo Clinic Laboratories, Mayo Clinic
Classification: Likely benign. Last evaluated: 2025-10-08. Review status: criteria provided, single submitter. Criteria: ACMG Guidelines, 2015. Collection method: clinical testing. Allele origin: germline. Observed: 1 variant allele.
Comment: BS2, BP4, BP7

Labcorp Genetics (formerly Invitae), Labcorp
Classification: Likely benign for Developmental and epileptic encephalopathy, 32. Last evaluated: 2024-12-16. Review status: criteria provided, single submitter. Criteria: Invitae Variant Classification Sherloc (09022015). Collection method: clinical testing. Allele origin: germline.

GeneDx
Classification: Likely benign. Last evaluated: 2020-07-13. Review status: criteria provided, single submitter. Criteria: GeneDx Variant Classification Process June 2021. Collection method: clinical testing. Allele origin: germline. Affected: yes.

NM_004974.4(KCNA2):c.292T>C (p.Leu98=)

Gene: KCNA2 (potassium voltage-gated channel subfamily A member 2; minus strand). Cytogenetic location: 1p13.3.
Variant type: single nucleotide variant.
Coding change: c.292T>C on transcript NM_004974.4 (MANE Select); coding-DNA position 292, T replaced by C.
Protein change: p.Leu98=; no amino-acid change (leucine 98 retained).
Molecular consequence: synonymous variant.
Genome position (GRCh38, 1-based): chr1:110,604,491, A>G on the plus strand (T>C on the coding strand, the complement: KCNA2 is on the minus strand). VCF-style: chr1-110604491-A-G. GRCh37 (hg19) VCF-style: chr1-111147113-A-G.
Other names: p.Leu98=; c.292T>C, p.Leu98= (NM_001204269.2).
Identifiers: ClinVar variation 720338 (VCV000720338.14), dbSNP rs369845519, ClinGen allele CA1000735.